The following is an entry in ClinVar:

NM_175875.5(SIX5):c.-26G>T

Genes: DM1-AS (DM1 locus antisense RNA; plus strand), SIX5 (SIX homeobox 5; minus strand), LOC107075317 (origin of replication in DMPK trinucleotide repeat region; plus strand). Cytogenetic location: 19q13.32.
Variant type: single nucleotide variant.
Coding change: c.-26G>T on transcript NM_175875.5 (MANE Select); 26 bases upstream of the start codon, G replaced by T.
Molecular consequence: 5 prime UTR variant.
Genome position (GRCh38, 1-based): chr19:45,768,870, C>A on the plus strand (G>T on the coding strand, the complement: SIX5 is on the minus strand). VCF-style: chr19-45768870-C-A. GRCh37 (hg19) VCF-style: chr19-46272128-C-A.
Identifiers: ClinVar variation 514165 (VCV000514165.1), dbSNP rs752241124, ClinGen allele CA9520879.

ClinVar aggregate classification (germline): Likely benign (1 of 4 stars; one submission).

Allele frequency attached by ClinVar (database versions not stated): TOPMed 0.00015; gnomAD 0.00032.

Submission:

GeneDx
Classification: Likely benign. Last evaluated: 2018-02-02. Review status: criteria provided, single submitter. Criteria: GeneDx Variant Classification (06012015). Collection method: clinical testing. Allele origin: germline. Affected: yes.
Comment: This variant is considered likely benign or benign based on one or more of the following criteria: it is a conservative change, it occurs at a poorly conserved position in the protein, it is predicted to be benign by multiple in silico algorithms, and/or has population frequency not consistent with disease.